The following is an entry in ClinVar:

NM_005912.3(MC4R):c.453C>T (p.Ile151=)

Gene: MC4R (melanocortin 4 receptor; minus strand). Cytogenetic location: 18q21.32.
Variant type: single nucleotide variant.
Coding change: c.453C>T on transcript NM_005912.3 (MANE Select); coding-DNA position 453, C replaced by T.
Protein change: p.Ile151=; no amino-acid change (isoleucine 151 retained).
Molecular consequence: synonymous variant.
Genome position (GRCh38, 1-based): chr18:60,371,897, G>A on the plus strand (C>T on the coding strand, the complement: MC4R is on the minus strand). VCF-style: chr18-60371897-G-A. GRCh37 (hg19) VCF-style: chr18-58039130-G-A.
Identifiers: ClinVar variation 3355761 (VCV003355761.1).
Genomic context (GRCh38, chr18:60,371,897, plus strand): 5'-ACTTATGATGATCCCAACCCGCTTAACTGTCATAATGTTATGGTACTGGAGAGCATAGAA[G>A]ATAGTAAAGTACCTGTCCACTGCAATTGAAAGCAGGCTGCAAATGGATGCAAGCAAGGAG-3'
Protein context (NP_005903.2, residues 141-161): LSIAVDRYFT[Ile151=]FYALQYHNIM

ClinVar aggregate classification (germline): Likely benign (0 of 4 stars; one submission).

Conditions:
MC4R-related disorder. Also called: MC4R-related condition.

Submission:

PreventionGenetics, part of Exact Sciences
Classification: Likely benign for MC4R-related condition. Last evaluated: 2023-11-08. Review status: no assertion criteria provided. Collection method: clinical testing. Allele origin: germline.
Comment: This variant is classified as likely benign based on ACMG/AMP sequence variant interpretation guidelines (Richards et al. 2015 PMID: 25741868, with internal and published modifications).